The following is an entry in ClinVar:

ClinVar aggregate classification (germline): Uncertain significance. Review status: criteria provided, multiple submitters, no conflicts (2 of 4 stars). 2 submissions from 2 submitters: Uncertain significance (2). Last evaluated 2026-08-23.

Conditions:
Inborn genetic diseases. Identifiers: MedGen C0950123, MeSH D030342.

gnomAD v4.1: 3 of 1,614,076 alleles (0.00019%); highest among the groups gnomAD compares: Non-Finnish European, 0.00025%; no homozygotes.

Submissions (2):

Ambry Genetics
Classification: Uncertain significance for Inborn genetic diseases. Last evaluated: 2026-08-23. Review status: criteria provided, single submitter. Criteria: Ambry Variant Classification Scheme 2023. Collection method: clinical testing. Allele origin: germline.

Labcorp Genetics (formerly Invitae), Labcorp
Classification: Uncertain significance. Last evaluated: 2022-07-20. Review status: criteria provided, single submitter. Criteria: Invitae Variant Classification Sherloc (09022015). Collection method: clinical testing. Allele origin: germline.
Comment: This variant is not present in population databases (gnomAD no frequency). In summary, the available evidence is currently insufficient to determine the role of this variant in disease. Therefore, it has been classified as a Variant of Uncertain Significance. Algorithms developed to predict the effect of missense changes on protein structure and function (SIFT, PolyPhen-2, Align-GVGD) all suggest that this variant is likely to be tolerated. This variant has not been reported in the literature in individuals affected with LEMD3-related conditions. This sequence change replaces aspartic acid, which is acidic and polar, with glutamic acid, which is acidic and polar, at codon 266 of the LEMD3 protein (p.Asp266Glu).

NM_014319.5(LEMD3):c.798C>A (p.Asp266Glu)

Gene: LEMD3 (LEM domain containing 3; plus strand). Cytogenetic location: 12q14.3.
Variant type: single nucleotide variant.
Coding change: c.798C>A on transcript NM_014319.5 (MANE Select); coding-DNA position 798, C replaced by A.
Protein change: p.Asp266Glu; replaces aspartic acid 266 with glutamic acid.
Molecular consequence: missense variant.
Genome position (GRCh38, 1-based): chr12:65,170,394, C>A. VCF-style: chr12-65170394-C-A. GRCh37 (hg19) VCF-style: chr12-65564174-C-A.
Other names: c.798C>A, p.Asp266Glu (NM_001167614.2); c.798C>A (NM_014319.4); short protein forms D266E.
Identifiers: ClinVar variation 2112994 (VCV002112994.5), dbSNP rs1389235605, ClinGen allele CA385674038.